The following is an entry in ClinVar:

ClinVar aggregate classification (germline): Likely benign. Review status: criteria provided, multiple submitters, no conflicts (2 of 4 stars). 4 submissions from 4 submitters: Likely benign (3). 1 of the submissions does not count toward it. Last evaluated 2025-10-06.

Conditions:
POLD1-related disorder. Also called: POLD1-related disorders; POLD1-related condition.
Hereditary cancer-predisposing syndrome. Also called: Tumor predisposition; Hereditary Cancer Syndrome; Hereditary neoplastic syndrome; Neoplastic Syndromes, Hereditary. Identifiers: Orphanet 140162, MedGen C0027672, MeSH D009386, MONDO:0015356.
POLD1-related polyposis and colorectal cancer syndrome (CRCS10). Also called: Colorectal cancer 10; COLORECTAL CANCER, SUSCEPTIBILITY TO, ON CHROMOSOME 19q; Colorectal cancer, susceptibility to, 10. Identifiers: Orphanet 220460, MedGen C2675481, MONDO:0012953, OMIM 612591.

Allele frequency attached by ClinVar (database versions not stated): gnomAD exomes below 0.00001; TOPMed below 0.00001; gnomAD 0.00001.

Submissions (4):

Labcorp Genetics (formerly Invitae), Labcorp
Classification: Likely benign for POLD1-related polyposis and colorectal cancer syndrome. Last evaluated: 2025-10-06. Review status: criteria provided, single submitter. Criteria: Invitae Variant Classification Sherloc (09022015). Collection method: clinical testing. Allele origin: germline.

Institute for Biomarker Research, Medical Diagnostic Laboratories, L.L.C.
Classification: Likely benign for Hereditary cancer-predisposing syndrome. Last evaluated: 2024-12-23. Review status: criteria provided, single submitter. Criteria: ACMG Guidelines, 2015. Collection method: clinical testing. Allele origin: germline.
Comment: he synonymous variant NM_001308632.1(POLD1):c.2097G>A (p.Glu699=) has been reported to ClinVar as Likely benign with a status of (2 stars) criteria provided, multiple submitters, no conflicts (Variation ID 486070 as of 2024-12-05). The p.Glu699= variant is novel (not in any individuals) in gnomAD. The p.Glu699= variant is novel (not in any individuals) in 1kG. The p.Glu699= variant is not predicted to disrupt the existing acceptor splice site 13bp upstream by any splice site algorithm. For these reasons, this variant has been classified as Likely Benign.

Ambry Genetics
Classification: Likely benign for Hereditary cancer-predisposing syndrome. Last evaluated: 2017-01-10. Review status: criteria provided, single submitter. Criteria: Ambry Variant Classification Scheme 2023. Collection method: clinical testing. Allele origin: germline.

PreventionGenetics, part of Exact Sciences
Classification: Likely benign for POLD1-related condition. Last evaluated: 2023-05-30. Review status: no assertion criteria provided. Collection method: clinical testing. Allele origin: germline. Not counted in ClinVar's aggregate classification.
Comment: This variant is classified as likely benign based on ACMG/AMP sequence variant interpretation guidelines (Richards et al. 2015 PMID: 25741868, with internal and published modifications).

NM_002691.4(POLD1):c.2019G>A (p.Glu673=)

Gene: POLD1 (DNA polymerase delta 1, catalytic subunit; plus strand). Cytogenetic location: 19q13.33.
Variant type: single nucleotide variant.
Coding change: c.2019G>A on transcript NM_002691.4 (MANE Select); coding-DNA position 2019, G replaced by A.
Protein change: p.Glu673=; no amino-acid change (glutamic acid 673 retained).
Molecular consequence: synonymous variant. On other transcripts: non-coding transcript variant (1).
Genome position (GRCh38, 1-based): chr19:50,409,531, G>A. VCF-style: chr19-50409531-G-A. GRCh37 (hg19) VCF-style: chr19-50912788-G-A.
Other names: c.2019G>A, p.Glu673= (NM_001256849.1); c.2097G>A, p.Glu699= (NM_001308632.1).
Identifiers: ClinVar variation 486070 (VCV000486070.18), dbSNP rs1041888327, ClinGen allele CA309602099.
Genomic context (GRCh38, chr19:50,409,531, plus strand): 5'-CAATGCCCAGGTGCCGCCTGAGTGTGCTTTCCCCGTGTTCCCTCGCAGGGCCAAGGCCGA[G>A]CTGGCCAAGGAGACAGACCCCCTCCGGCGCCAGGTCCTGGATGGACGGCAGCTGGCGCTG-3'
Protein context (NP_002682.2, residues 663-683): LLSARKRAKA[Glu673=]LAKETDPLRR